The following is an entry in ClinVar:

NM_000138.5(FBN1):c.8121C>A (p.Asp2707Glu)

Gene: FBN1 (fibrillin 1; minus strand). Cytogenetic location: 15q21.1.
Variant type: single nucleotide variant.
Coding change: c.8121C>A on transcript NM_000138.5 (MANE Select); coding-DNA position 8121, C replaced by A.
Protein change: p.Asp2707Glu; replaces aspartic acid 2707 with glutamic acid.
Molecular consequence: missense variant.
Genome position (GRCh38, 1-based): chr15:48,412,674, G>T on the plus strand (C>A on the coding strand, the complement: FBN1 is on the minus strand). VCF-style: chr15-48412674-G-T. GRCh37 (hg19) VCF-style: chr15-48704871-G-T.
Other names: short protein forms D2707E.
Identifiers: ClinVar variation 617873 (VCV000617873.6), dbSNP rs1566889147, ClinGen allele CA392321346.
Genomic context (GRCh38, chr15:48,412,674, plus strand): 5'-GCCCCGTTTGGGGTAGCCATTGATCTTACACTCGTAACAAGCCTCTGGGGAGAGTGAATT[G>T]TCATCCATTTCACCACTGACAGGTGGCTCTGGGTTTCCTCGGCCCATGCCCATTCCAGAA-3'
Protein context (NP_000129.3, residues 2697-2717): PEPPVSGEMD[Asp2707Glu]NSLSPEACYE

ClinVar aggregate classification (germline): Uncertain significance. Review status: criteria provided, single submitter (1 of 4 stars). 2 submissions from 2 submitters: Uncertain significance (1). 1 of the submissions does not count toward it. Last evaluated 2024-11-05.

Conditions:
Familial thoracic aortic aneurysm and aortic dissection (TAAD). Also called: Thoracic aortic aneurysms and dissections. Identifiers: Orphanet 91387, MedGen C4707243, MONDO:0019625.
Marfan syndrome (MFS). Also called: FBN1-Related Marfan Syndrome; Marfan syndrome type 1; Marfan's syndrome; Marfan syndrome, classic; MARFAN SYNDROME, TYPE I. Identifiers: Orphanet 284963, Orphanet 558, MedGen C0024796, MONDO:0007947, OMIM 154700.
Acute aortic dissection. Identifiers: MedGen C0241868.
Congenital aneurysm of ascending aorta (AAT1). Also called: Aortic aneurysm, thoracic; Familial thoracic aortic aneurysm; AORTIC ANEURYSM, FAMILIAL THORACIC 1; ANNULOAORTIC ECTASIA. Identifiers: Orphanet 229, MedGen C0345050, MONDO:0024559, OMIM 607086.

Allele frequency attached by ClinVar (database versions not stated): gnomAD exomes below 0.00001.
gnomAD v4.1: 1 of 1,614,246 alleles (0.000062%); highest among the groups gnomAD compares: Non-Finnish European, 0.000085%; no homozygotes.

Submissions (2):

Labcorp Genetics (formerly Invitae), Labcorp
Classification: Uncertain significance for Marfan syndrome; Familial thoracic aortic aneurysm and aortic dissection. Last evaluated: 2024-11-05. Review status: criteria provided, single submitter. Criteria: Invitae Variant Classification Sherloc (09022015). Collection method: clinical testing. Allele origin: germline.
Comment: This sequence change replaces aspartic acid, which is acidic and polar, with glutamic acid, which is acidic and polar, at codon 2707 of the FBN1 protein (p.Asp2707Glu). This variant is not present in population databases (gnomAD no frequency). This missense change has been observed in individual(s) with clinical features of Marfan syndrome (PMID: 26621581). ClinVar contains an entry for this variant (Variation ID: 617873). Invitae Evidence Modeling of protein sequence and biophysical properties (such as structural, functional, and spatial information, amino acid conservation, physicochemical variation, residue mobility, and thermodynamic stability) indicates that this missense variant is not expected to disrupt FBN1 protein function with a negative predictive value of 95%. In summary, the available evidence is currently insufficient to determine the role of this variant in disease. Therefore, it has been classified as a Variant of Uncertain Significance.

University of Washington Center for Mendelian Genomics, University of Washington
Classification: Uncertain significance for Familial thoracic aortic aneurysms; Acute aortic dissections. Last evaluated: 2016-01-20. Review status: no assertion criteria provided. Collection method: research. Allele origin: unknown. Affected: yes. Not counted in ClinVar's aggregate classification.

Literature cited by the submitters: PubMed 26621581 (cited by Labcorp Genetics (formerly Invitae), Labcorp and University of Washington Center for Mendelian Genomics, University of Washington).